The following is an entry in ClinVar:

ClinVar aggregate classification (germline): Uncertain significance (1 of 4 stars; one submission).

Conditions:
Hereditary spastic paraplegia 28. Also called: Spastic paraplegia 28, autosomal recessive. Identifiers: Orphanet 101008, MedGen C1836295, MONDO:0012256, OMIM 609340.

Allele frequency attached by ClinVar (database versions not stated): gnomAD exomes below 0.00001; ExAC 0.00002; gnomAD 0.00003; TOPMed 0.00007; ESP Exome Variant Server 0.00008.

Submission:

Labcorp Genetics (formerly Invitae), Labcorp
Classification: Uncertain significance for Hereditary spastic paraplegia 28. Last evaluated: 2024-01-17. Review status: criteria provided, single submitter. Criteria: Invitae Variant Classification Sherloc (09022015). Collection method: clinical testing. Allele origin: germline.
Comment: This sequence change replaces glycine, which is neutral and non-polar, with aspartic acid, which is acidic and polar, at codon 149 of the DDHD1 protein (p.Gly149Asp). This variant is present in population databases (rs375593607, gnomAD 0.02%). This variant has not been reported in the literature in individuals affected with DDHD1-related conditions. ClinVar contains an entry for this variant (Variation ID: 2065383). Advanced modeling of protein sequence and biophysical properties (such as structural, functional, and spatial information, amino acid conservation, physicochemical variation, residue mobility, and thermodynamic stability) performed at Invitae indicates that this missense variant is not expected to disrupt DDHD1 protein function with a negative predictive value of 80%. In summary, the available evidence is currently insufficient to determine the role of this variant in disease. Therefore, it has been classified as a Variant of Uncertain Significance.

NM_001160148.2(DDHD1):c.446G>A (p.Gly149Asp)

Gene: DDHD1 (DDHD domain containing 1; minus strand). Cytogenetic location: 14q22.1.
Variant type: single nucleotide variant.
Coding change: c.446G>A on transcript NM_001160148.2 (MANE Select); coding-DNA position 446, G replaced by A.
Protein change: p.Gly149Asp; replaces glycine 149 with aspartic acid.
Molecular consequence: missense variant.
Genome position (GRCh38, 1-based): chr14:53,152,653, C>T on the plus strand (G>A on the coding strand, the complement: DDHD1 is on the minus strand). VCF-style: chr14-53152653-C-T. GRCh37 (hg19) VCF-style: chr14-53619371-C-T.
Other names: c.446G>A, p.Gly149Asp (NM_001160147.2, NM_030637.3); short protein forms G149D.
Identifiers: ClinVar variation 2065383 (VCV002065383.2), dbSNP rs375593607, ClinGen allele CA7191495.
Genomic context (GRCh38, chr14:53,152,653, plus strand): 5'-CGTACCTCCTCCGGGCCCAGCTCCGTCACTACCTCATAGCGGTGCCGGGCCGCCGGGCCG[C>T]CAAGCCGGGTACGTTTCCTTTCCCCGGGGGACCCTCCTGTCGCGCCGCCGCCCCCCGAGT-3'
Protein context (NP_001153620.1, residues 139-159): SPGERKRTRL[Gly149Asp]GPAARHRYEV